The following is an entry in ClinVar:

ClinVar aggregate classification (germline): Uncertain significance (1 of 4 stars; one submission).

Conditions:
Catecholaminergic polymorphic ventricular tachycardia 1. Also called: VENTRICULAR TACHYCARDIA, STRESS-INDUCED POLYMORPHIC 1; RYR2-Related Catecholaminergic Polymorphic Ventricular Tachycardia; VENTRICULAR TACHYCARDIA, CATECHOLAMINERGIC POLYMORPHIC, 1, WITH OR WITHOUT ATRIAL DYSFUNCTION AND/OR DILATED CARDIOMYOPATHY. Identifiers: Orphanet 3286, MedGen C1631597, MONDO:0011484, OMIM 604772.

Submission:

Labcorp Genetics (formerly Invitae), Labcorp
Classification: Uncertain significance for Catecholaminergic polymorphic ventricular tachycardia 1. Last evaluated: 2019-09-07. Review status: criteria provided, single submitter. Criteria: Invitae Variant Classification Sherloc (09022015). Collection method: clinical testing. Allele origin: germline.
Comment: In summary, the available evidence is currently insufficient to determine the role of this variant in disease. Therefore, it has been classified as a Variant of Uncertain Significance. This variant disrupts the p.Asn2386 amino acid residue in RYR2. Other variant(s) that disrupt this residue have been determined to be pathogenic (PMID: 12106942, 22828895, 15364613). This suggests that this residue is clinically significant, and that variants that disrupt this residue are likely to be disease-causing. Algorithms developed to predict the effect of missense changes on protein structure and function (SIFT, PolyPhen-2, Align-GVGD) all suggest that this variant is likely to be disruptive, but these predictions have not been confirmed by published functional studies and their clinical significance is uncertain. This variant has not been reported in the literature in individuals with RYR2-related conditions. This variant is not present in population databases (ExAC no frequency). This sequence change replaces asparagine with lysine at codon 2386 of the RYR2 protein (p.Asn2386Lys). The asparagine residue is highly conserved and there is a moderate physicochemical difference between asparagine and lysine.

Literature cited by the submitters: PubMed 12106942; PubMed 22828895; PubMed 15364613.

NM_001035.3(RYR2):c.7158C>G (p.Asn2386Lys)

Gene: RYR2 (ryanodine receptor 2; plus strand). Cytogenetic location: 1q43.
Variant type: single nucleotide variant.
Coding change: c.7158C>G on transcript NM_001035.3 (MANE Select); coding-DNA position 7158, C replaced by G.
Protein change: p.Asn2386Lys; replaces asparagine 2386 with lysine.
Molecular consequence: missense variant.
Genome position (GRCh38, 1-based): chr1:237,640,939, C>G. VCF-style: chr1-237640939-C-G. GRCh37 (hg19) VCF-style: chr1-237804239-C-G.
Other names: short protein forms N2386K.
Identifiers: ClinVar variation 950332 (VCV000950332.9), dbSNP rs376057173, ClinGen allele CA345396658.